The following is an entry in ClinVar:

NM_007332.3(TRPA1):c.1811+1G>A

Genes: MSC-AS1 (MSC antisense RNA 1; plus strand), TRPA1 (transient receptor potential cation channel subfamily A member 1; minus strand). Cytogenetic location: 8q21.11.
Variant type: single nucleotide variant.
Coding change: c.1811+1G>A on transcript NM_007332.3 (MANE Select); the canonical splice donor site of the intron after coding-DNA position 1811, G replaced by A.
Molecular consequence: splice donor variant. On other transcripts: non-coding transcript variant (2).
Genome position (GRCh38, 1-based): chr8:72,052,598, C>T on the plus strand (G>A on the coding strand, the complement: TRPA1 is on the minus strand). VCF-style: chr8-72052598-C-T. GRCh37 (hg19) VCF-style: chr8-72964833-C-T.
Identifiers: ClinVar variation 4988982 (VCV004988982.1).

ClinVar aggregate classification (germline): Uncertain significance (1 of 4 stars; one submission).

Conditions:
TRPA1-related disorder. Also called: TRPA1-related condition.

Submission:

PreventionGenetics, part of Exact Sciences
Classification: Uncertain significance for TRPA1-related condition. Last evaluated: 2025-07-11. Review status: criteria provided, single submitter. Criteria: ACMG Guidelines, 2015. Collection method: clinical testing. Allele origin: germline.
Comment: The TRPA1 c.1811+1G>A variant is predicted to disrupt the GT donor site and interfere with normal splicing. To our knowledge, this variant has not been reported in the literature or in a large population database (gnomAD), indicating this variant is rare. At this time, the clinical significance of this variant is uncertain due to the absence of conclusive functional and genetic evidence.